The following is an entry in ClinVar:

ClinVar aggregate classification (germline): Pathogenic (1 of 4 stars; one submission).

Conditions:
Inborn genetic diseases. Identifiers: MedGen C0950123, MeSH D030342.

Allele frequency attached by ClinVar (database versions not stated): gnomAD exomes 0.00001.
gnomAD v4.1: 4 of 1,527,208 alleles (0.00026%); highest among the groups gnomAD compares: South Asian, 0.0048%; no homozygotes.

Submission:

Ambry Genetics
Classification: Pathogenic for Inborn genetic diseases. Last evaluated: 2023-02-02. Review status: criteria provided, single submitter. Criteria: Ambry Variant Classification Scheme 2023. Collection method: clinical testing. Allele origin: germline.
Comment: The c.445C>T (p.Q149*) alteration, located in exon 2 (coding exon 1) of the TRAPPC12 gene, consists of a C to T substitution at nucleotide position 445. This changes the amino acid from a glutamine (Q) to a stop codon at amino acid position 149. This alteration is expected to result in loss of function by premature protein truncation or nonsense-mediated mRNA decay. Based on data from gnomAD, the T allele has an overall frequency of 0.002% (2/123374) total alleles studied. The highest observed frequency was 0.009% (2/21684) of South Asian alleles. Based on the available evidence, this alteration is classified as pathogenic.

NM_016030.6(TRAPPC12):c.445C>T (p.Gln149Ter)

Gene: TRAPPC12 (trafficking protein particle complex subunit 12; plus strand). Cytogenetic location: 2p25.3.
Variant type: single nucleotide variant.
Coding change: c.445C>T on transcript NM_016030.6 (MANE Select); coding-DNA position 445, C replaced by T.
Protein change: p.Gln149Ter; replaces glutamine 149 with a stop codon.
Molecular consequence: nonsense.
Genome position (GRCh38, 1-based): chr2:3,388,068, C>T. VCF-style: chr2-3388068-C-T. GRCh37 (hg19) VCF-style: chr2-3391839-C-T.
Other names: c.445C>T, p.Gln149Ter (NM_001321102.2); short protein forms Q149*.
Identifiers: ClinVar variation 2467995 (VCV002467995.2), dbSNP rs1378178272, ClinGen allele CA345739563.